The following is an entry in ClinVar:

NM_001165963.4(SCN1A):c.4255G>C (p.Gly1419Arg)

Genes: SCN1A (sodium voltage-gated channel alpha subunit 1; minus strand), SCN1A-AS1 (SCN1A and SCN9A antisense RNA 1; plus strand), LOC102724058 (uncharacterized LOC102724058; plus strand). Cytogenetic location: 2q24.3.
Variant type: single nucleotide variant.
Coding change: c.4255G>C on transcript NM_001165963.4 (MANE Select); coding-DNA position 4255, G replaced by C.
Protein change: p.Gly1419Arg; replaces glycine 1419 with arginine.
Molecular consequence: missense variant. On other transcripts: non-coding transcript variant (1).
Genome position (GRCh38, 1-based): chr2:166,002,501, C>G on the plus strand (G>C on the coding strand, the complement: SCN1A is on the minus strand). VCF-style: chr2-166002501-C-G. GRCh37 (hg19) VCF-style: chr2-166859011-C-G.
Other names: c.4171G>C, p.Gly1391Arg (NM_001165964.3, NM_001353957.2, NM_001353958.2); c.4255G>C, p.Gly1419Arg (NM_001202435.3, NM_001353948.2); c.4222G>C, p.Gly1408Arg (NM_001353949.2, NM_001353950.2, NM_001353951.2 and 2 more transcripts); c.4219G>C, p.Gly1407Arg (NM_001353954.2, NM_001353955.2); c.4168G>C, p.Gly1390Arg (NM_001353960.2); c.1813G>C, p.Gly605Arg (NM_001353961.2); short protein forms G1407R, G605R, G1419R, G1390R, G1391R, G1408R.
Identifiers: ClinVar variation 2833642 (VCV002833642.4), dbSNP rs1085307893, ClinGen allele CA349049919.
Genomic context (GRCh38, chr2:166,002,501, plus strand): 5'-AAAATATTCAGAGAAAATAGTGTTCACTTACAACTTGAAGCAAAGAGAGATACCCAAATC[C>G]TACATTATCAAAGTTTACTTTCACATTTTTCCATCGAGCAGTCTCATTTCTTTCTATTAG-3'
Protein context (NP_001159435.1, residues 1409-1429): KNVKVNFDNV[Gly1419Arg]FGYLSLLQVA

ClinVar aggregate classification (germline): Likely pathogenic. Review status: criteria provided, multiple submitters, no conflicts (2 of 4 stars). 2 submissions from 2 submitters: Likely pathogenic (2). Last evaluated 2026-02-27.

Conditions:
Generalized epilepsy with febrile seizures plus, type 2 (GEFSP2). Also called: GEFS+, TYPE 2. Identifiers: Orphanet 36387, MedGen C1858673, MONDO:0011461, OMIM 604403.
Early-infantile DEE. Also called: Early infantile epileptic encephalopathy; Ohtahara syndrome; Early infantile epileptic encephalopathy with suppression bursts. Identifiers: Orphanet 1934, MedGen C0393706, MONDO:0800491.

Submissions (2):

Institute of Medical Genetics and Applied Genomics, University Hospital Tübingen
Classification: Likely pathogenic for Generalized epilepsy with febrile seizures plus, type 2. Last evaluated: 2026-02-27. Review status: criteria provided, single submitter. Criteria: ACMG Guidelines, 2015. Collection method: clinical testing. Allele origin: germline. Inheritance: Autosomal dominant inheritance. Affected: yes.

Labcorp Genetics (formerly Invitae), Labcorp
Classification: Likely pathogenic for Early-infantile DEE. Last evaluated: 2023-02-01. Review status: criteria provided, single submitter. Criteria: Invitae Variant Classification Sherloc (09022015). Collection method: clinical testing. Allele origin: germline.
Comment: This sequence change replaces glycine, which is neutral and non-polar, with arginine, which is basic and polar, at codon 1419 of the SCN1A protein (p.Gly1419Arg). This variant is not present in population databases (gnomAD no frequency). This missense change has been observed in individual(s) with Dravet syndrome (PMID: 32090326). This variant is also known as p.G1408R. Advanced modeling of protein sequence and biophysical properties (such as structural, functional, and spatial information, amino acid conservation, physicochemical variation, residue mobility, and thermodynamic stability) performed at Invitae indicates that this missense variant is expected to disrupt SCN1A protein function. Algorithms developed to predict the effect of sequence changes on RNA splicing suggest that this variant may create or strengthen a splice site. In summary, the currently available evidence indicates that the variant is pathogenic, but additional data are needed to prove that conclusively. Therefore, this variant has been classified as Likely Pathogenic.

Literature cited by the submitters: PubMed 32090326 (cited by Labcorp Genetics (formerly Invitae), Labcorp).